The following is an entry in ClinVar:

ClinVar aggregate classification (germline): Uncertain significance (1 of 4 stars; one submission).

Conditions:
POLD1-related polyposis and colorectal cancer syndrome (CRCS10). Also called: Colorectal cancer 10; COLORECTAL CANCER, SUSCEPTIBILITY TO, ON CHROMOSOME 19q; Colorectal cancer, susceptibility to, 10. Identifiers: Orphanet 220460, MedGen C2675481, MONDO:0012953, OMIM 612591.

Submission:

Labcorp Genetics (formerly Invitae), Labcorp
Classification: Uncertain significance for POLD1-related polyposis and colorectal cancer syndrome. Last evaluated: 2019-12-27. Review status: criteria provided, single submitter. Criteria: Invitae Variant Classification Sherloc (09022015). Collection method: clinical testing. Allele origin: germline.
Comment: This variant is not present in population databases (ExAC no frequency). This variant has not been reported in the literature in individuals with POLD1-related conditions. This sequence change replaces glycine with arginine at codon 775 of the POLD1 protein (p.Gly775Arg). The glycine residue is highly conserved and there is a moderate physicochemical difference between glycine and arginine. Algorithms developed to predict the effect of missense changes on protein structure and function are either unavailable or do not agree on the potential impact of this missense change (SIFT: "Deleterious"; PolyPhen-2: "Probably Damaging"; Align-GVGD: "Class C15"). In summary, the available evidence is currently insufficient to determine the role of this variant in disease. Therefore, it has been classified as a Variant of Uncertain Significance.

NM_002691.4(POLD1):c.2323G>C (p.Gly775Arg)

Gene: POLD1 (DNA polymerase delta 1, catalytic subunit; plus strand). Cytogenetic location: 19q13.33.
Variant type: single nucleotide variant.
Coding change: c.2323G>C on transcript NM_002691.4 (MANE Select); coding-DNA position 2323, G replaced by C.
Protein change: p.Gly775Arg; replaces glycine 775 with arginine.
Molecular consequence: missense variant. On other transcripts: non-coding transcript variant (1).
Genome position (GRCh38, 1-based): chr19:50,413,814, G>C. VCF-style: chr19-50413814-G-C. GRCh37 (hg19) VCF-style: chr19-50917071-G-C.
Other names: c.2323G>C, p.Gly775Arg (NM_001256849.1); c.2401G>C, p.Gly801Arg (NM_001308632.1); short protein forms G801R, G775R.
Identifiers: ClinVar variation 852185 (VCV000852185.10), dbSNP rs2039177835, ClinGen allele CA406984178.